The following is an entry in ClinVar:

ClinVar aggregate classification (germline): Uncertain significance (1 of 4 stars; one submission).

Conditions:
Pyogenic arthritis-pyoderma gangrenosum-acne syndrome (PAPA). Also called: FAMILIAL RECURRENT ARTHRITIS; PAPA SYNDROME. Identifiers: Orphanet 69126, MedGen C1858361, MONDO:0011462, OMIM 604416.

gnomAD v4.1: 1 of 1,612,682 alleles (0.000062%); highest among the groups gnomAD compares: Admixed American, 0.0017%; no homozygotes.

Submission:

Labcorp Genetics (formerly Invitae), Labcorp
Classification: Uncertain significance for Pyogenic arthritis-pyoderma gangrenosum-acne syndrome. Last evaluated: 2025-11-23. Review status: criteria provided, single submitter. Criteria: Invitae Variant Classification Sherloc (09022015). Collection method: clinical testing. Allele origin: germline.
Comment: This sequence change replaces serine, which is neutral and polar, with arginine, which is basic and polar, at codon 273 of the PSTPIP1 protein (p.Ser273Arg). This variant is not present in population databases (gnomAD no frequency). This variant has not been reported in the literature in individuals affected with PSTPIP1-related conditions. Invitae Evidence Modeling of protein sequence and biophysical properties (such as structural, functional, and spatial information, amino acid conservation, physicochemical variation, residue mobility, and thermodynamic stability) indicates that this missense variant is not expected to disrupt PSTPIP1 protein function with a negative predictive value of 80%. In summary, the available evidence is currently insufficient to determine the role of this variant in disease. Therefore, it has been classified as a Variant of Uncertain Significance.

NM_003978.5(PSTPIP1):c.817A>C (p.Ser273Arg)

Gene: PSTPIP1 (proline-serine-threonine phosphatase interacting protein 1; plus strand). Cytogenetic location: 15q24.3.
Variant type: single nucleotide variant.
Coding change: c.817A>C on transcript NM_003978.5 (MANE Select); coding-DNA position 817, A replaced by C.
Protein change: p.Ser273Arg; replaces serine 273 with arginine.
Molecular consequence: missense variant.
Genome position (GRCh38, 1-based): chr15:77,032,373, A>C. VCF-style: chr15-77032373-A-C. GRCh37 (hg19) VCF-style: chr15-77324714-A-C.
Other names: c.817A>C, p.Ser273Arg (NM_001321135.2, NM_001411086.1); c.790A>C, p.Ser264Arg (NM_001321136.2); c.1012A>C, p.Ser338Arg (NM_001321137.1); short protein forms S264R, S273R, S338R.
Identifiers: ClinVar variation 4699024 (VCV004699024.1).
Genomic context (GRCh38, chr15:77,032,373, plus strand): 5'-CGGCTGACGCTGGAAGGCTGCAGCATAGACGCCGACATCGACAGTTTCATCCAGGCCAAG[A>C]GCACGGGCACAGAGCCCCCCGGTGAGGTCCGGCTTGCGGACAGCGCAGCCTCTAGGTGCA-3'
Protein context (NP_003969.2, residues 263-283): ADIDSFIQAK[Ser273Arg]TGTEPPAPVP